The following is an entry in ClinVar:

NM_002626.6(PFKL):c.960G>A (p.Ala320=)

Gene: PFKL (phosphofructokinase, liver type; plus strand). Cytogenetic location: 21q22.3.
Variant type: single nucleotide variant.
Coding change: c.960G>A on transcript NM_002626.6 (MANE Select); coding-DNA position 960, G replaced by A.
Protein change: p.Ala320=; no amino-acid change (alanine 320 retained).
Molecular consequence: synonymous variant.
Genome position (GRCh38, 1-based): chr21:44,318,493, G>A. VCF-style: chr21-44318493-G-A. GRCh37 (hg19) VCF-style: chr21-45738376-G-A.
Other names: c.1110G>A, p.Ala370= (NM_001002021.3).
Identifiers: ClinVar variation 3211588 (VCV003211588.18), dbSNP rs142092923, ClinGen allele CA10052792.

ClinVar aggregate classification (germline): Likely benign. Review status: criteria provided, multiple submitters, no conflicts (2 of 4 stars). 2 submissions from 2 submitters: Likely benign (2). Last evaluated 2024-07-01.

Allele frequency attached by ClinVar (database versions not stated): gnomAD 0.00009; TOPMed 0.00009; ExAC 0.00012; gnomAD exomes 0.00020; ESP Exome Variant Server 0.00031.
gnomAD v4.1: 292 of 1,567,438 alleles (0.019%); highest among the groups gnomAD compares: Non-Finnish European, 0.024%; no homozygotes.

Submissions (2):

CeGaT Center for Human Genetics Tuebingen
Classification: Likely benign. Last evaluated: 2024-07-01. Review status: criteria provided, single submitter. Criteria: CeGaT Center For Human Genetics Tuebingen Variant Classification Criteria Version 2. Collection method: clinical testing. Allele origin: germline. Affected: yes. Observed: 1 variant allele.
Comment: PFKL: BP4, BP7

Ambry Genetics
Classification: Likely benign. Last evaluated: 2023-12-19. Review status: criteria provided, single submitter. Criteria: Ambry Variant Classification Scheme 2023. Collection method: clinical testing. Allele origin: germline.